The following is an entry in ClinVar:

NM_001128228.3(TPRN):c.858C>T (p.Cys286=)

Gene: TPRN (taperin; minus strand). Cytogenetic location: 9q34.3.
Variant type: single nucleotide variant.
Coding change: c.858C>T on transcript NM_001128228.3 (MANE Select); coding-DNA position 858, C replaced by T.
Protein change: p.Cys286=; no amino-acid change (cysteine 286 retained).
Molecular consequence: synonymous variant.
Genome position (GRCh38, 1-based): chr9:137,199,854, G>A on the plus strand (C>T on the coding strand, the complement: TPRN is on the minus strand). VCF-style: chr9-137199854-G-A. GRCh37 (hg19) VCF-style: chr9-140094306-G-A.
Other names: p.Cys286=.
Identifiers: ClinVar variation 193179 (VCV000193179.55), dbSNP rs375619082, ClinGen allele CA200382.
Genomic context (GRCh38, chr9:137,199,854, plus strand): 5'-AACTGGCTTGGGGGCCGGCCGTATCTCGAAGGAGTCGTTGGTGCTGGTGGCTGCGGAGAC[G>A]CACTGGCGCTGGCTAGGAGTGGCACTGGCAGGGGGTGAGGCTGGAGTGGCACTCGGGGTC-3'
Protein context (NP_001121700.2, residues 276-296): PASATPSQRQ[Cys286=]VSAATSTNDS

ClinVar aggregate classification (germline): Benign. Review status: criteria provided, multiple submitters, no conflicts (2 of 4 stars). 8 submissions from 8 submitters: Benign (8). Last evaluated 2026-01-13.

Conditions:
Autosomal recessive nonsyndromic hearing loss 79. Identifiers: Orphanet 90636, MedGen C2750082, MONDO:0013215, OMIM 613307.

Allele frequency attached by ClinVar (database versions not stated): 1000 Genomes Project 30x 0.00250; 1000 Genomes Project 0.00300; TOPMed 0.00975; gnomAD 0.01012 and 0.01068; gnomAD exomes 0.01022; ExAC 0.01121; ESP Exome Variant Server 0.01264.

Submissions (8):

Labcorp Genetics (formerly Invitae), Labcorp
Classification: Benign. Last evaluated: 2026-01-13. Review status: criteria provided, single submitter. Criteria: Invitae Variant Classification Sherloc (09022015). Collection method: clinical testing. Allele origin: germline.

Blueprint Genetics
Classification: Benign. Last evaluated: 2024-11-26. Review status: criteria provided, single submitter. Criteria: ACMG Guidelines, 2015. Collection method: clinical testing. Allele origin: germline.

CeGaT Center for Human Genetics Tuebingen
Classification: Benign. Last evaluated: 2024-04-01. Review status: criteria provided, single submitter. Criteria: CeGaT Center For Human Genetics Tuebingen Variant Classification Criteria Version 2. Collection method: clinical testing. Allele origin: germline. Affected: yes. Observed: 10 variant alleles.
Comment: TPRN: BP4, BP7, BS1, BS2

ARUP Laboratories, Molecular Genetics and Genomics, ARUP Laboratories
Classification: Benign for Autosomal recessive nonsyndromic hearing loss 79. Last evaluated: 2023-09-13. Review status: criteria provided, single submitter. Criteria: ARUP Molecular Germline Variant Investigation Process 2024. Collection method: clinical testing. Allele origin: germline.

Mayo Clinic Laboratories, Mayo Clinic
Classification: Benign. Last evaluated: 2022-02-15. Review status: criteria provided, single submitter. Criteria: ACMG Guidelines, 2015. Collection method: clinical testing. Allele origin: germline. Observed: 3 variant alleles.
Comment: BA1, BS1, BS2

GeneDx
Classification: Benign. Last evaluated: 2018-05-21. Review status: criteria provided, single submitter. Criteria: GeneDx Variant Classification Process June 2021. Collection method: clinical testing. Allele origin: germline. Affected: yes.

Eurofins Ntd Llc (ga)
Classification: Benign. Last evaluated: 2015-01-27. Review status: criteria provided, single submitter. Criteria: EGL Classification Definitions 2015. Collection method: clinical testing. Allele origin: germline. Observed: 1 variant allele, 1 heterozygote.

Breakthrough Genomics
Classification: Benign. Review status: criteria provided, single submitter. Criteria: ACMG Guidelines, 2015. Collection method: not provided. Allele origin: germline. Inheritance: Autosomal recessive inheritance. Affected: yes.